The following is an entry in ClinVar:

ClinVar aggregate classification (germline): Uncertain significance (1 of 4 stars; one submission).

Conditions:
Muscular dystrophy-dystroglycanopathy (congenital with brain and eye anomalies), type a, 8 (MDDGA8). Also called: WALKER-WARBURG SYNDROME OR MUSCLE-EYE-BRAIN DISEASE, GTDC2-RELATED. Identifiers: Orphanet 899, MedGen C3553813, MONDO:0013904, OMIM 614830.

Allele frequency attached by ClinVar (database versions not stated): gnomAD exomes below 0.00001.
gnomAD v4.1: 2 of 1,614,152 alleles (0.00012%); highest among the groups gnomAD compares: Admixed American, 0.0017%; no homozygotes.

Submission:

Labcorp Genetics (formerly Invitae), Labcorp
Classification: Uncertain significance for Muscular dystrophy-dystroglycanopathy (congenital with brain and eye anomalies), type a, 8. Last evaluated: 2021-08-26. Review status: criteria provided, single submitter. Criteria: Invitae Variant Classification Sherloc (09022015). Collection method: clinical testing. Allele origin: germline.
Comment: This sequence change replaces alanine with threonine at codon 338 of the POMGNT2 protein (p.Ala338Thr). The alanine residue is highly conserved and there is a small physicochemical difference between alanine and threonine. This variant is not present in population databases (ExAC no frequency). This variant has not been reported in the literature in individuals affected with POMGNT2-related conditions. Algorithms developed to predict the effect of missense changes on protein structure and function (SIFT, PolyPhen-2, Align-GVGD) all suggest that this variant is likely to be disruptive. In summary, the available evidence is currently insufficient to determine the role of this variant in disease. Therefore, it has been classified as a Variant of Uncertain Significance.

NM_032806.6(POMGNT2):c.1012G>A (p.Ala338Thr)

Gene: POMGNT2 (protein O-linked mannose N-acetylglucosaminyltransferase 2 (beta 1,4-); minus strand). Cytogenetic location: 3p22.1.
Variant type: single nucleotide variant.
Coding change: c.1012G>A on transcript NM_032806.6 (MANE Select); coding-DNA position 1012, G replaced by A.
Protein change: p.Ala338Thr; replaces alanine 338 with threonine.
Molecular consequence: missense variant.
Genome position (GRCh38, 1-based): chr3:43,080,420, C>T on the plus strand (G>A on the coding strand, the complement: POMGNT2 is on the minus strand). VCF-style: chr3-43080420-C-T. GRCh37 (hg19) VCF-style: chr3-43121912-C-T.
Other names: short protein forms A338T.
Identifiers: ClinVar variation 1479799 (VCV001479799.5), dbSNP rs2125700054, ClinGen allele CA352302033.